The following is an entry in ClinVar:

NM_002693.3(POLG):c.1120C>T (p.Arg374Ter)

Gene: POLG (DNA polymerase gamma, catalytic subunit; minus strand). Cytogenetic location: 15q26.1.
Variant type: single nucleotide variant.
Coding change: c.1120C>T on transcript NM_002693.3 (MANE Select); coding-DNA position 1120, C replaced by T.
Protein change: p.Arg374Ter; replaces arginine 374 with a stop codon.
Molecular consequence: nonsense.
Genome position (GRCh38, 1-based): chr15:89,328,735, G>A on the plus strand (C>T on the coding strand, the complement: POLG is on the minus strand). VCF-style: chr15-89328735-G-A. GRCh37 (hg19) VCF-style: chr15-89871966-G-A.
Other names: c.1120C>T, p.Arg374Ter (NM_001126131.2); short protein forms R374*.
Identifiers: ClinVar variation 619394 (VCV000619394.3), dbSNP rs960142425, ClinGen allele CA10602180.

ClinVar aggregate classification (germline): Pathogenic. Review status: criteria provided, multiple submitters, no conflicts (2 of 4 stars). 2 submissions from 2 submitters: Pathogenic (2). Last evaluated 2025-04-23.

Conditions:
Progressive sclerosing poliodystrophy (MTDPS4A). Also called: Alpers-Huttenlocher Syndrome (AHS); Alpers Syndrome; ALPERS PROGRESSIVE INFANTILE POLIODYSTROPHY; Mitochondrial DNA depletion syndrome 4A (Alpers type); ALPERS DIFFUSE DEGENERATION OF CEREBRAL GRAY MATTER WITH HEPATIC CIRRHOSIS; Alpers-Huttenlocher Syndrome. Identifiers: Orphanet 726, MedGen C0205710, MONDO:0008758, OMIM 203700.

Allele frequency attached by ClinVar (database versions not stated): gnomAD 0.00001; TOPMed 0.00001; gnomAD exomes below 0.00001.
gnomAD v4.1: 4 of 1,613,996 alleles (0.00025%); highest among the groups gnomAD compares: East Asian, 0.0022%; no homozygotes.

Submissions (2):

Labcorp Genetics (formerly Invitae), Labcorp
Classification: Pathogenic for Progressive sclerosing poliodystrophy. Last evaluated: 2025-04-23. Review status: criteria provided, single submitter. Criteria: Invitae Variant Classification Sherloc (09022015). Collection method: clinical testing. Allele origin: germline.
Comment: This sequence change creates a premature translational stop signal (p.Arg374*) in the POLG gene. It is expected to result in an absent or disrupted protein product. Loss-of-function variants in POLG are known to be pathogenic (PMID: 18546365). This variant is not present in population databases (gnomAD no frequency). This premature translational stop signal has been observed in individual(s) with autosomal recessive POLG-related conditions (PMID: 18487244, 25160553). ClinVar contains an entry for this variant (Variation ID: 619394). For these reasons, this variant has been classified as Pathogenic.

Wong Mito Lab, Molecular and Human Genetics, Baylor College of Medicine
Classification: Pathogenic for Progressive sclerosing poliodystrophy. Last evaluated: 2018-10-01. Review status: criteria provided, single submitter. Criteria: ACMG Guidelines, 2015. Collection method: clinical testing. Allele origin: germline.
Comment: The NM_002693.2:c.1120C>T (NP_002684.1:p.Arg374Ter) [GRCH38: NC_000015.10:g.89328735G>A] variant in POLG gene is interpretated to be a Pathogenic based on ACMG guidelines (PMID: 25741868). This variant has been reported in PMID:18487244 . This variant meets the following evidence codes reported in the ACMG-guideline. PVS1:This variant is a predicted null variant in POLG where loss of function is a known mechanism of disease. PM2:This variant is absent in key population databases. PM3:Detected in trans with a pathogenic variant for Mitochondrial DNA depletion syndrome 4A (Alpers type) which is a recessive disorder. PM4:This variant causes alteration in the length of expressed protein. PP1:This variant is co-segregated with Mitochondrial DNA depletion syndrome 4A (Alpers type) in multiple affected family members. Based on the evidence criteria codes applied, the variant is suggested to be Pathogenic.

Literature cited by the submitters: PubMed 18546365 (cited by Labcorp Genetics (formerly Invitae), Labcorp); PubMed 18487244 (cited by Labcorp Genetics (formerly Invitae), Labcorp and Wong Mito Lab, Molecular and Human Genetics, Baylor College of Medicine); PubMed 25160553 (cited by Labcorp Genetics (formerly Invitae), Labcorp).